The following is an entry in ClinVar:

ClinVar aggregate classification (germline): Uncertain significance (1 of 4 stars; one submission).

Submission:

GeneDx
Classification: Uncertain significance. Last evaluated: 2024-08-02. Review status: criteria provided, single submitter. Criteria: GeneDx Variant Classification Process June 2021. Collection method: clinical testing. Allele origin: germline. Affected: yes.
Comment: Not observed at significant frequency in large population cohorts (gnomAD); In silico analysis supports that this missense variant has a deleterious effect on protein structure/function; Has not been previously published as pathogenic or benign to our knowledge

NM_002430.3(MN1):c.3688C>T (p.Pro1230Ser)

Gene: MN1 (MN1 proto-oncogene, transcriptional regulator; minus strand). Cytogenetic location: 22q12.1.
Variant type: single nucleotide variant.
Coding change: c.3688C>T on transcript NM_002430.3 (MANE Select); coding-DNA position 3688, C replaced by T.
Protein change: p.Pro1230Ser; replaces proline 1230 with serine.
Molecular consequence: missense variant.
Genome position (GRCh38, 1-based): chr22:27,796,856, G>A on the plus strand (C>T on the coding strand, the complement: MN1 is on the minus strand). VCF-style: chr22-27796856-G-A. GRCh37 (hg19) VCF-style: chr22-28192844-G-A.
Other names: short protein forms P1230S.
Identifiers: ClinVar variation 3602484 (VCV003602484.1).